The following is an entry in ClinVar:

NM_001388492.1(HTT):c.9177C>T (p.Phe3059=)

Gene: HTT (huntingtin; plus strand). Cytogenetic location: 4p16.3.
Variant type: single nucleotide variant.
Coding change: c.9177C>T on transcript NM_001388492.1 (MANE Select); coding-DNA position 9177, C replaced by T.
Protein change: p.Phe3059=; no amino-acid change (phenylalanine 3059 retained).
Molecular consequence: synonymous variant.
Genome position (GRCh38, 1-based): chr4:3,238,940, C>T. VCF-style: chr4-3238940-C-T. GRCh37 (hg19) VCF-style: chr4-3240667-C-T.
Other names: c.9183C>T, p.Phe3061= (NM_002111.8).
Identifiers: ClinVar variation 1639274 (VCV001639274.33), dbSNP rs2229987, ClinGen allele CA2825907.

ClinVar aggregate classification (germline): Benign. Review status: criteria provided, multiple submitters, no conflicts (2 of 4 stars). 3 submissions from 3 submitters: Benign (3). Last evaluated 2026-02-01.

Allele frequency attached by ClinVar (database versions not stated): gnomAD exomes 0.00637; gnomAD 0.00710 and 0.00716; 1000 Genomes Project 0.00719; TOPMed 0.00789; 1000 Genomes Project 30x 0.00796; ESP Exome Variant Server 0.00822; ExAC 0.00823.
gnomAD v4.1: 10,046 of 1,610,128 alleles (0.62%); highest among the groups gnomAD compares: African/African-American, 1.2%; 49 homozygotes.

Submissions (3):

CeGaT Center for Human Genetics Tuebingen
Classification: Benign. Last evaluated: 2026-02-01. Review status: criteria provided, single submitter. Criteria: CeGaT Center For Human Genetics Tuebingen Variant Classification Criteria Version 2. Collection method: clinical testing. Allele origin: germline. Affected: yes. Observed: 11 variant alleles.
Comment: HTT: BP4, BP7, BS1, BS2

Labcorp Genetics (formerly Invitae), Labcorp
Classification: Benign. Last evaluated: 2025-07-07. Review status: criteria provided, single submitter. Criteria: Invitae Variant Classification Sherloc (09022015). Collection method: clinical testing. Allele origin: germline.

Breakthrough Genomics
Classification: Benign. Review status: criteria provided, single submitter. Criteria: ACMG Guidelines, 2015. Collection method: not provided. Allele origin: germline. Inheritance: Autosomal recessive inheritance. Affected: yes.